The following is an entry in ClinVar:

ClinVar aggregate classification (germline): Conflicting classifications of pathogenicity. Review status: criteria provided, conflicting classifications (1 of 4 stars). 6 submissions from 6 submitters: Likely pathogenic (1); Uncertain significance (4). 1 of the submissions does not count toward it. Last evaluated 2026-01-12.

Conditions:
Inborn genetic diseases. Identifiers: MedGen C0950123, MeSH D030342.
Optic atrophy. Identifiers: MedGen C0029124, MONDO:0003608, HP:0000648.
Jeune thoracic dystrophy. Also called: Short-rib thoracic dysplasia; Jeune syndrome; Infantile thoracic dystrophy; Thoracic pelvic phalangeal dystrophy; Jeune's syndrome; Chondroectodermal dysplasia-like syndrome. Identifiers: Orphanet 474, MedGen C0265275, MONDO:0018770.
Asphyxiating thoracic dystrophy 3. Also called: Short rib polydactyly syndrome 2B; SHORT-RIB THORACIC DYSPLASIA 3 WITH OR WITHOUT POLYDACTYLY; POLYDACTYLY WITH NEONATAL CHONDRODYSTROPHY, TYPE I; SHORT-RIB THORACIC DYSPLASIA 3/6 WITH POLYDACTYLY, DIGENIC; Saldino-Noonan Syndrome. Identifiers: Orphanet 474, Orphanet 93269, Orphanet 93270, Orphanet 93271, MedGen C0036069, MONDO:0013127, OMIM 613091.

Allele frequency attached by ClinVar (database versions not stated): TOPMed 0.00006; gnomAD exomes 0.00007; ExAC 0.00008; ESP Exome Variant Server 0.00008; gnomAD 0.00008 and 0.00009.
gnomAD v4.1: 121 of 1,611,660 alleles (0.0075%); highest among the groups gnomAD compares: Middle Eastern, 0.016%; no homozygotes.

Submissions (6):

Labcorp Genetics (formerly Invitae), Labcorp
Classification: Uncertain significance for Jeune thoracic dystrophy. Last evaluated: 2026-01-12. Review status: criteria provided, single submitter. Criteria: Invitae Variant Classification Sherloc (09022015). Collection method: clinical testing. Allele origin: germline.
Comment: This sequence change replaces glutamic acid, which is acidic and polar, with lysine, which is basic and polar, at codon 3219 of the DYNC2H1 protein (p.Glu3219Lys). This variant is present in population databases (rs376974461, gnomAD 0.02%). This variant has not been reported in the literature in individuals affected with DYNC2H1-related conditions. ClinVar contains an entry for this variant (Variation ID: 1378595). Invitae Evidence Modeling of protein sequence and biophysical properties (such as structural, functional, and spatial information, amino acid conservation, physicochemical variation, residue mobility, and thermodynamic stability) indicates that this missense variant is expected to disrupt DYNC2H1 protein function with a positive predictive value of 95%. In summary, the available evidence is currently insufficient to determine the role of this variant in disease. Therefore, it has been classified as a Variant of Uncertain Significance.

Laboratory of Functional Genomics, Research Centre for Medical Genetics
Classification: Likely pathogenic for Asphyxiating thoracic dystrophy 3. Last evaluated: 2025-11-30. Review status: criteria provided, single submitter. Criteria: ACMG Guidelines, 2015. Collection method: clinical testing. Allele origin: maternal. Inheritance: Autosomal recessive inheritance. Affected: yes. Observed: 1 variant allele, 1 compound heterozygote.
Comment: This previously unreported missense variant was detected in cis with another missense variant, c.6034G>A (p.Ala2012Thr), and both were found in trans with the likely pathogenic synonymous variant c.2386C>A. Structural analysis utilizing X-ray crystallography (PDB ID: 4RH7) and AlphaFold3 modeling revealed that the variant is located within the AAA4 domain. The substitution of glutamic acid with lysine results in charge reversal and is predicted to disrupt critical interdomain electrostatic interactions involved in transmitting conformational changes from the ATPase ring to the microtubule-binding stalk. The affected residue exhibits strong evolutionary conservation, underscoring its functional importance. According to the ACMG 2015 guidelines (criteria PM2, PP3, PM1, PM3), the c.9655G>A variant is classified as likely pathogenic.

Ambry Genetics
Classification: Uncertain significance for Inborn genetic diseases. Last evaluated: 2025-08-07. Review status: criteria provided, single submitter. Criteria: Ambry Variant Classification Scheme 2023. Collection method: clinical testing. Allele origin: germline.

Blueprint Genetics
Classification: Uncertain significance. Last evaluated: 2024-09-30. Review status: criteria provided, single submitter. Criteria: ACMG Guidelines, 2015. Collection method: clinical testing. Allele origin: germline.

GeneDx
Classification: Uncertain significance. Last evaluated: 2024-05-08. Review status: criteria provided, single submitter. Criteria: GeneDx Variant Classification Process June 2021. Collection method: clinical testing. Allele origin: germline. Affected: yes.
Comment: In silico analysis supports that this missense variant has a deleterious effect on protein structure/function; Has not been previously published as pathogenic or benign to our knowledge

Institute of Human Genetics, Univ. Regensburg, Univ. Regensburg
Classification: Uncertain significance for Optic atrophy. Last evaluated: 2022-01-01. Review status: no assertion criteria provided. Criteria: ACMG Guidelines, 2015. Collection method: clinical testing. Allele origin: germline. Affected: yes. Not counted in ClinVar's aggregate classification.

NM_001377.3(DYNC2H1):c.9655G>A (p.Glu3219Lys)

Gene: DYNC2H1 (dynein cytoplasmic 2 heavy chain 1; plus strand). Cytogenetic location: 11q22.3.
Variant type: single nucleotide variant.
Coding change: c.9655G>A on transcript NM_001377.3 (MANE Select); coding-DNA position 9655, G replaced by A.
Protein change: p.Glu3219Lys; replaces glutamic acid 3219 with lysine.
Molecular consequence: missense variant.
Genome position (GRCh38, 1-based): chr11:103,235,759, G>A. VCF-style: chr11-103235759-G-A. GRCh37 (hg19) VCF-style: chr11-103106488-G-A.
Other names: chr11:103235759G>A; c.9655G>A (NM_001080463.1); c.9655G>A, p.Glu3219Lys (NM_001080463.2); short protein forms E3219K.
Identifiers: ClinVar variation 1378595 (VCV001378595.10), dbSNP rs376974461, ClinGen allele CA6254739.